The following is an entry in ClinVar:

ClinVar aggregate classification (germline): Uncertain significance (1 of 4 stars; one submission).

Conditions:
Combined immunodeficiency due to LRBA deficiency. Also called: Common variable immunodeficiency 8, with autoimmunity. Identifiers: Orphanet 445018, MedGen C3553512, MONDO:0013863, OMIM 614700.

Submission:

Labcorp Genetics (formerly Invitae), Labcorp
Classification: Uncertain significance for Combined immunodeficiency due to LRBA deficiency. Last evaluated: 2025-03-31. Review status: criteria provided, single submitter. Criteria: Invitae Variant Classification Sherloc (09022015). Collection method: clinical testing. Allele origin: germline.
Comment: This sequence change replaces methionine, which is neutral and non-polar, with threonine, which is neutral and polar, at codon 1365 of the LRBA protein (p.Met1365Thr). This variant is present in population databases (rs201053129, gnomAD 0.007%). This variant has not been reported in the literature in individuals affected with LRBA-related conditions. Invitae Evidence Modeling of protein sequence and biophysical properties (such as structural, functional, and spatial information, amino acid conservation, physicochemical variation, residue mobility, and thermodynamic stability) indicates that this missense variant is not expected to disrupt LRBA protein function with a negative predictive value of 80%. In summary, the available evidence is currently insufficient to determine the role of this variant in disease. Therefore, it has been classified as a Variant of Uncertain Significance.

NM_001364905.1(LRBA):c.4094T>C (p.Met1365Thr)

Gene: LRBA (LPS responsive beige-like anchor protein; minus strand). Cytogenetic location: 4q31.3.
Variant type: single nucleotide variant.
Coding change: c.4094T>C on transcript NM_001364905.1 (MANE Select); coding-DNA position 4094, T replaced by C.
Protein change: p.Met1365Thr; replaces methionine 1365 with threonine.
Molecular consequence: missense variant.
Genome position (GRCh38, 1-based): chr4:150,849,486, A>G on the plus strand (T>C on the coding strand, the complement: LRBA is on the minus strand). VCF-style: chr4-150849486-A-G. GRCh37 (hg19) VCF-style: chr4-151770638-A-G.
Other names: c.4094T>C, p.Met1365Thr (NM_001199282.3, NM_001367550.1, NM_001440430.1 and 2 more transcripts); short protein forms M1365T.
Identifiers: ClinVar variation 4775628 (VCV004775628.1).